The following is an entry in ClinVar:

ClinVar aggregate classification (germline): Likely benign. Review status: reviewed by expert panel (3 of 4 stars). 4 submissions from 4 submitters: Likely benign (1). 3 of the submissions do not count toward it. Last evaluated 2017-06-29.

Conditions:
Hereditary breast ovarian cancer syndrome. Also called: Hereditary breast and ovarian cancer syndrome; Hereditary breast and ovarian cancer syndrome (HBOC); BRCA1- and BRCA2-Associated Hereditary Breast and Ovarian Cancer; Breast and ovarian cancer; Hereditary breast and ovarian cancer; Hereditary breast and/or ovarian cancer syndrome. Identifiers: Orphanet 145, MedGen C0677776, MeSH D061325, MONDO:0003582. Disease mechanism: loss of function.
Hereditary cancer-predisposing syndrome. Also called: Hereditary Cancer Syndrome; Hereditary neoplastic syndrome; Tumor predisposition; Neoplastic Syndromes, Hereditary. Identifiers: Orphanet 140162, MedGen C0027672, MeSH D009386, MONDO:0015356.
Breast-ovarian cancer, familial, susceptibility to, 1 (BROVCA1). Also called: OVARIAN CANCER, SUSCEPTIBILITY TO; BRCA1 Hereditary Breast and Ovarian Cancer. Identifiers: Orphanet 145, MedGen C2676676, MONDO:0011450, OMIM 604370. Disease mechanism: loss of function.

Submissions (4):

Evidence-based Network for the Interpretation of Germline Mutant Alleles (ENIGMA)
Classification: Likely benign for Breast-ovarian cancer, familial, susceptibility to, 1. Last evaluated: 2017-06-29. Review status: reviewed by expert panel. Criteria: ENIGMA BRCA1/2 Classification Criteria (2017-06-29). Collection method: curation. Allele origin: germline.
Comment: Synonymous substitution variant, with low bioinformatic likelihood to result in a splicing aberration (Splicing prior probability 0.02).

Color Diagnostics, LLC DBA Color Health
Classification: Likely benign for Hereditary cancer-predisposing syndrome. Last evaluated: 2025-08-25. Review status: criteria provided, single submitter. Criteria: ACMG Guidelines, 2015. Collection method: clinical testing. Allele origin: germline. Not counted in ClinVar's aggregate classification.

Ambry Genetics
Classification: Likely benign for Hereditary cancer-predisposing syndrome. Last evaluated: 2024-03-11. Review status: criteria provided, single submitter. Criteria: Ambry Variant Classification Scheme 2023. Collection method: clinical testing. Allele origin: germline. Not counted in ClinVar's aggregate classification.

Labcorp Genetics (formerly Invitae), Labcorp
Classification: Likely benign for Hereditary breast ovarian cancer syndrome. Last evaluated: 2023-10-03. Review status: criteria provided, single submitter. Criteria: Invitae Variant Classification Sherloc (09022015). Collection method: clinical testing. Allele origin: germline. Not counted in ClinVar's aggregate classification.

NM_007294.4(BRCA1):c.4227G>A (p.Gln1409=)

Gene: BRCA1 (BRCA1 DNA repair associated; minus strand). Cytogenetic location: 17q21.31.
Variant type: single nucleotide variant.
Coding change: c.4227G>A on transcript NM_007294.4 (MANE Select); coding-DNA position 4227, G replaced by A.
Protein change: p.Gln1409=; no amino-acid change (glutamine 1409 retained).
Molecular consequence: synonymous variant.
Genome position (GRCh38, 1-based): chr17:43,082,534, C>T on the plus strand (G>A on the coding strand, the complement: BRCA1 is on the minus strand). VCF-style: chr17-43082534-C-T. GRCh37 (hg19) VCF-style: chr17-41234551-C-T.
Other names: c.792G>A, p.Gln264= (NM_001408450.1, NM_001408432.1, NM_001408433.1 and 10 more transcripts); c.783G>A, p.Gln261= (NM_001408451.1); c.777G>A, p.Gln259= (NM_001408452.1, NM_001408453.1, NM_001408454.1 and 8 more transcripts); c.774G>A, p.Gln258= (NM_001408462.1, NM_001408463.1, NM_001408464.1 and 5 more transcripts); c.771G>A, p.Gln257= (NM_001408470.1); c.915G>A, p.Gln305= (NM_001408472.1, NM_001408473.1, NM_001407972.1 and 18 more transcripts); c.717G>A, p.Gln239= (NM_001408474.1, NM_001408476.1); c.714G>A, p.Gln238= (NM_001408475.1); and 51 more.
Identifiers: ClinVar variation 184685 (VCV000184685.11), dbSNP rs786201618, ClinGen allele CA002720.
Genomic context (GRCh38, chr17:43,082,534, plus strand): 5'-GTAGCTGTTAGAAGGCTGGCTCCCATGCTGTTCTAACACAGCTTCTAGTTCAGCCATTTC[C>T]TGCTGGAGCTTTATCAGGTTATGTTGCATGGTATCCCTCTGCTTCAAAAACGATAAATGG-3'
Protein context (NP_009225.1, residues 1399-1419): TMQHNLIKLQ[Gln1409=]EMAELEAVLE